The following is an entry in ClinVar:

NM_182493.3(MYLK3):c.941G>T (p.Gly314Val)

Gene: MYLK3 (myosin light chain kinase 3; minus strand). Cytogenetic location: 16q11.2.
Variant type: single nucleotide variant.
Coding change: c.941G>T on transcript NM_182493.3 (MANE Select); coding-DNA position 941, G replaced by T.
Protein change: p.Gly314Val; replaces glycine 314 with valine.
Molecular consequence: missense variant. On other transcripts: intron variant (1).
Genome position (GRCh38, 1-based): chr16:46,737,771, C>A on the plus strand (G>T on the coding strand, the complement: MYLK3 is on the minus strand). VCF-style: chr16-46737771-C-A. GRCh37 (hg19) VCF-style: chr16-46771683-C-A.
Other names: c.-23+2286G>T (NM_001308301.1); short protein forms G314V.
Identifiers: ClinVar variation 1358443 (VCV001358443.8), dbSNP rs1276234134, ClinGen allele CA395793922.

ClinVar aggregate classification (germline): Uncertain significance (1 of 4 stars; one submission).

Allele frequency attached by ClinVar (database versions not stated): gnomAD exomes 0.00001; TOPMed below 0.00001; gnomAD 0.00001.
gnomAD v4.1: 6 of 1,611,524 alleles (0.00037%); highest among the groups gnomAD compares: Non-Finnish European, 0.00051%; no homozygotes.

Submission:

Labcorp Genetics (formerly Invitae), Labcorp
Classification: Uncertain significance. Last evaluated: 2025-02-11. Review status: criteria provided, single submitter. Criteria: Invitae Variant Classification Sherloc (09022015). Collection method: clinical testing. Allele origin: germline.
Comment: This sequence change replaces glycine, which is neutral and non-polar, with valine, which is neutral and non-polar, at codon 314 of the MYLK3 protein (p.Gly314Val). This variant is present in population databases (no rsID available, gnomAD 0.0009%). This variant has not been reported in the literature in individuals affected with MYLK3-related conditions. ClinVar contains an entry for this variant (Variation ID: 1358443). An algorithm developed to predict the effect of missense changes on protein structure and function (PolyPhen-2) suggests that this variant is likely to be tolerated. In summary, the available evidence is currently insufficient to determine the role of this variant in disease. Therefore, it has been classified as a Variant of Uncertain Significance.